The following is an entry in ClinVar:

NM_032119.4(ADGRV1):c.8945C>T (p.Ala2982Val)

Gene: ADGRV1 (adhesion G protein-coupled receptor V1; plus strand). Cytogenetic location: 5q14.3.
Variant type: single nucleotide variant.
Coding change: c.8945C>T on transcript NM_032119.4 (MANE Select); coding-DNA position 8945, C replaced by T.
Protein change: p.Ala2982Val; replaces alanine 2982 with valine.
Molecular consequence: missense variant. On other transcripts: non-coding transcript variant (1).
Genome position (GRCh38, 1-based): chr5:90,711,225, C>T. VCF-style: chr5-90711225-C-T. GRCh37 (hg19) VCF-style: chr5-90007042-C-T.
Other names: short protein forms A2982V.
Identifiers: ClinVar variation 1354395 (VCV001354395.8), dbSNP rs2149716874, ClinGen allele CA360395688.

ClinVar aggregate classification (germline): Uncertain significance (1 of 4 stars; one submission).

gnomAD v4.1: 4 of 1,612,826 alleles (0.00025%); highest among the groups gnomAD compares: Non-Finnish European, 0.00034%; no homozygotes.

Submission:

Labcorp Genetics (formerly Invitae), Labcorp
Classification: Uncertain significance. Last evaluated: 2021-05-17. Review status: criteria provided, single submitter. Criteria: Invitae Variant Classification Sherloc (09022015). Collection method: clinical testing. Allele origin: germline.
Comment: This variant has not been reported in the literature in individuals with ADGRV1-related conditions. In summary, the available evidence is currently insufficient to determine the role of this variant in disease. Therefore, it has been classified as a Variant of Uncertain Significance. Algorithms developed to predict the effect of missense changes on protein structure and function output the following: SIFT: "Tolerated"; PolyPhen-2: "Benign"; Align-GVGD: "Class C0". The valine amino acid residue is found in multiple mammalian species, suggesting that this missense change does not adversely affect protein function. These predictions have not been confirmed by published functional studies and their clinical significance is uncertain. This variant is not present in population databases (ExAC no frequency). This sequence change replaces alanine with valine at codon 2982 of the ADGRV1 protein (p.Ala2982Val). The alanine residue is moderately conserved and there is a small physicochemical difference between alanine and valine.